The following is an entry in ClinVar:

NM_001042492.3(NF1):c.7272A>C (p.Arg2424Ser)

Gene: NF1 (neurofibromin 1; plus strand). Cytogenetic location: 17q11.2.
Variant type: single nucleotide variant.
Coding change: c.7272A>C on transcript NM_001042492.3 (MANE Select); coding-DNA position 7272, A replaced by C.
Protein change: p.Arg2424Ser; replaces arginine 2424 with serine.
Molecular consequence: missense variant.
Genome position (GRCh38, 1-based): chr17:31,349,202, A>C. VCF-style: chr17-31349202-A-C. GRCh37 (hg19) VCF-style: chr17-29676220-A-C.
Other names: c.7209A>C, p.Arg2403Ser (NM_000267.4); short protein forms R2424S, R2403S.
Identifiers: ClinVar variation 1364600 (VCV001364600.9), dbSNP rs139997141, ClinGen allele CA289400925.
Genomic context (GRCh38, chr17:31,349,202, plus strand): 5'-TATTGTTGCAAGAACAGTCAGAATTTTACATACACTACTAACTCTGGTTAACAAACACAG[A>C]AATTGTGACAAATTTGAAGTGAATACACAGAGCGTGGCCTACTTAGCAGGTAAAAACACA-3'
Protein context (NP_001035957.1, residues 2414-2434): HTLLTLVNKH[Arg2424Ser]NCDKFEVNTQ

ClinVar aggregate classification (germline): Conflicting classifications of pathogenicity. Review status: criteria provided, conflicting classifications (1 of 4 stars). 2 submissions from 2 submitters: Uncertain significance (1); Likely benign (1). Last evaluated 2026-09-11.

Conditions:
Hereditary cancer-predisposing syndrome. Also called: Hereditary Cancer Syndrome; Neoplastic Syndromes, Hereditary; Hereditary neoplastic syndrome; Tumor predisposition. Identifiers: Orphanet 140162, MedGen C0027672, MeSH D009386, MONDO:0015356.
Cardiovascular phenotype. Identifiers: MedGen CN230736.
Neurofibromatosis, type 1 (NF1). Also called: Peripheral type neurofibromatosis; VON RECKLINGHAUSEN DISEASE; NEUROFIBROMATOSIS, TYPE I, SOMATIC; Neurofibromatosis, type I. Identifiers: Orphanet 636, MedGen C0027831, MONDO:0018975, OMIM 162200. Disease mechanism: loss of function.

Allele frequency attached by ClinVar (database versions not stated): gnomAD exomes below 0.00001; TOPMed 0.00001; ESP Exome Variant Server 0.00008.
gnomAD v4.1: 1 of 1,613,712 alleles (0.000062%); highest among the groups gnomAD compares: Non-Finnish European, 0.000085%; no homozygotes.

Submissions (2):

Ambry Genetics
Classification: Likely benign for Cardiovascular phenotype; Hereditary cancer-predisposing syndrome. Last evaluated: 2026-09-11. Review status: criteria provided, single submitter. Criteria: Ambry Variant Classification Scheme 2023. Collection method: clinical testing. Allele origin: germline.

Labcorp Genetics (formerly Invitae), Labcorp
Classification: Uncertain significance for Neurofibromatosis, type 1. Last evaluated: 2024-06-18. Review status: criteria provided, single submitter. Criteria: Invitae Variant Classification Sherloc (09022015). Collection method: clinical testing. Allele origin: germline.
Comment: This sequence change replaces arginine, which is basic and polar, with serine, which is neutral and polar, at codon 2403 of the NF1 protein (p.Arg2403Ser). This variant is not present in population databases (gnomAD no frequency). This variant has not been reported in the literature in individuals affected with NF1-related conditions. ClinVar contains an entry for this variant (Variation ID: 1364600). Advanced modeling of protein sequence and biophysical properties (such as structural, functional, and spatial information, amino acid conservation, physicochemical variation, residue mobility, and thermodynamic stability) performed at Invitae indicates that this missense variant is not expected to disrupt NF1 protein function with a negative predictive value of 95%. In summary, the available evidence is currently insufficient to determine the role of this variant in disease. Therefore, it has been classified as a Variant of Uncertain Significance.